The following is an entry in ClinVar:

NM_007294.4(BRCA1):c.2699C>T (p.Thr900Ile)

Gene: BRCA1 (BRCA1 DNA repair associated; minus strand). Cytogenetic location: 17q21.31.
Variant type: single nucleotide variant.
Coding change: c.2699C>T on transcript NM_007294.4 (MANE Select); coding-DNA position 2699, C replaced by T.
Protein change: p.Thr900Ile; replaces threonine 900 with isoleucine.
Molecular consequence: missense variant. On other transcripts: intron variant (137).
Genome position (GRCh38, 1-based): chr17:43,092,832, G>A on the plus strand (C>T on the coding strand, the complement: BRCA1 is on the minus strand). VCF-style: chr17-43092832-G-A. GRCh37 (hg19) VCF-style: chr17-41244849-G-A.
Other names: c.2699C>T, p.Thr900Ile (NM_001407603.1, NM_001407605.1, NM_001407616.1 and 30 more transcripts); c.2696C>T, p.Thr899Ile (NM_001407610.1, NM_001407611.1, NM_001407612.1 and 22 more transcripts); c.2690C>T, p.Thr897Ile (NM_001407647.1, NM_001407646.1); c.2576C>T, p.Thr859Ile (NM_001407648.1, NM_001407668.1, NM_001407669.1 and 19 more transcripts); c.2573C>T, p.Thr858Ile (NM_001407649.1, NM_001407670.1, NM_001407671.1 and 11 more transcripts); c.2621C>T, p.Thr874Ile (NM_001407653.1, NM_001407654.1, NM_001407655.1 and 4 more transcripts); c.2558C>T, p.Thr853Ile (NM_001407692.1, NM_001407694.1, NM_001407695.1 and 29 more transcripts); c.2555C>T, p.Thr852Ile (NM_001407740.1, NM_001407741.1, NM_001407838.1 and 20 more transcripts); and 41 more; short protein forms T773I, T832I, T858I, T897I, T772I, T788I, T811I, T812I.
Identifiers: ClinVar variation 3992619 (VCV003992619.1).
Genomic context (GRCh38, chr17:43,092,832, plus strand): 5'-ACAGGCTTGATATTAGACTCATTCTTTCCTTGATTTTCTTCCTTTTGTTCACATTCAAAA[G>A]TGACTTTTGGACTTTGTTTCTTTAAGGACCCAGAGTGGGCAGAGAATGTTGCACATTCCT-3'
Protein context (NP_009225.1, residues 890-910): GSLKKQSPKV[Thr900Ile]FECEQKEENQ

ClinVar aggregate classification (germline): Uncertain significance (1 of 4 stars; one submission).

Conditions:
Hereditary cancer-predisposing syndrome. Also called: Tumor predisposition; Hereditary neoplastic syndrome; Neoplastic Syndromes, Hereditary; Hereditary Cancer Syndrome. Identifiers: Orphanet 140162, MedGen C0027672, MeSH D009386, MONDO:0015356.

Submission:

Ambry Genetics
Classification: Uncertain significance for Hereditary cancer-predisposing syndrome. Last evaluated: 2025-05-26. Review status: criteria provided, single submitter. Criteria: Ambry Variant Classification Scheme 2023. Collection method: clinical testing. Allele origin: germline.
Comment: The p.T900I variant (also known as c.2699C>T), located in coding exon 9 of the BRCA1 gene, results from a C to T substitution at nucleotide position 2699. The threonine at codon 900 is replaced by isoleucine, an amino acid with similar properties. This amino acid position is not well conserved in available vertebrate species. In addition, the in silico prediction for this alteration is inconclusive. Based on the available evidence, the clinical significance of this variant remains unclear.

Literature cited by the submitters: PubMed 30287823.